The following is an entry in ClinVar:

ClinVar aggregate classification (germline): Pathogenic (0 of 4 stars; one submission).

Conditions:
Autism spectrum disorder. Also called: Autism spectrum disorders. Identifiers: MedGen C1510586, MeSH D000067877, MONDO:0005258.

Submission:

Department of Medical Genetics, Capital Institute of Pediatrics
Classification: Pathogenic for Autism Spectrum Disorder. Last evaluated: 2024-07-03. Review status: no assertion criteria provided. Collection method: research. Allele origin: de novo. Affected: yes.
Comment: PVS1+PM2_Supporting+PS2

Literature cited by the submitters: PubMed 39419027.

NM_001039469.3(MARK2):c.1181dup (p.Val395fs)

Gene: MARK2 (microtubule affinity regulating kinase 2; plus strand). Cytogenetic location: 11q13.1.
Variant type: Duplication.
Coding change: c.1181dup on transcript NM_001039469.3 (MANE Select); coding-DNA position 1181, one base duplicated (A; older notation c.1181dupA).
Protein change: p.Val395fs; shifts the reading frame from valine 395.
Molecular consequence: frameshift variant.
Genome position (GRCh38, 1-based): chr11:63,902,277, A duplicated; the last of 2 consecutive A bases (chr11:63,902,276-63,902,277); duplicating either gives the same sequence. VCF-style (leftmost placement, unchanged base first): chr11-63902275-C-CA. GRCh37 (hg19) VCF-style: chr11-63669747-C-CA.
Other names: c.1181dupA (NM_001039469.3); c.1181dup, p.Val395fs (NM_001163296.2, NM_001163297.2, NM_004954.5); c.1082dup, p.Val362fs (NM_017490.4); short protein forms V362fs, V395fs.
Identifiers: ClinVar variation 3253629 (VCV003253629.2), dbSNP rs2539326870.
Genomic context (GRCh38, chr11:63,902,275, plus strand): 5'-CACCCTGAAACCCCGGCCTTCAGCTGATCTGACCAATAGCAGCGCCCCATCCCCATCCCA[C>CA]AAGGTACAGCGCAGCGTGTCGGCCAATCCCAAGCAGCGGCGCTTCAGCGACCAGGGTAAA-3'